The following is an entry in ClinVar:

NM_001015880.2(PAPSS2):c.1687G>A (p.Ala563Thr)

Gene: PAPSS2 (3'-phosphoadenosine 5'-phosphosulfate synthase 2; plus strand). Cytogenetic location: 10q23.31.
Variant type: single nucleotide variant.
Coding change: c.1687G>A on transcript NM_001015880.2 (MANE Select); coding-DNA position 1687, G replaced by A.
Protein change: p.Ala563Thr; replaces alanine 563 with threonine.
Molecular consequence: missense variant.
Genome position (GRCh38, 1-based): chr10:87,745,197, G>A. VCF-style: chr10-87745197-G-A. GRCh37 (hg19) VCF-style: chr10-89504954-G-A.
Other names: c.1672G>A, p.Ala558Thr (NM_004670.4); c.1672G>A (NM_004670.3); short protein forms A563T, A558T.
Identifiers: ClinVar variation 655993 (VCV000655993.8), dbSNP rs1415011667, ClinGen allele CA377484045.
Genomic context (GRCh38, chr10:87,745,197, plus strand): 5'-ATGGCCCCTGGCCTCACCTCTGTGGAAATCATTCCATTCCGAGTGGCTGCCTACAACAAA[G>A]CCAAAAAAGCCATGGACTTCTATGATCCAGCAAGGTAGGTTTTCAGAGGAAAATTCTTTT-3'
Protein context (NP_001015880.1, residues 553-573): IPFRVAAYNK[Ala563Thr]KKAMDFYDPA

ClinVar aggregate classification (germline): Uncertain significance. Review status: criteria provided, multiple submitters, no conflicts (2 of 4 stars). 3 submissions from 3 submitters: Uncertain significance (3). Last evaluated 2025-11-20.

Conditions:
Spondyloepimetaphyseal dysplasia, PAPSS2 type. Also called: SEMD, PAKISTANI TYPE; BRACHYOLMIA TYPE 4 WITH MILD EPIPHYSEAL AND METAPHYSEAL CHANGES; SPONDYLODYSPLASIA AND PREMATURE PUBARCHE. Identifiers: Orphanet 93282, MedGen C2748516, MONDO:0019666, OMIM 612847.
Inborn genetic diseases. Identifiers: MedGen C0950123, MeSH D030342.

Allele frequency attached by ClinVar (database versions not stated): gnomAD exomes 0.00001.

Submissions (3):

Ambry Genetics
Classification: Uncertain significance for Inborn genetic diseases. Last evaluated: 2025-11-20. Review status: criteria provided, single submitter. Criteria: Ambry Variant Classification Scheme 2023. Collection method: clinical testing. Allele origin: germline.

Blueprint Genetics
Classification: Uncertain significance. Last evaluated: 2024-11-14. Review status: criteria provided, single submitter. Criteria: ACMG Guidelines, 2015. Collection method: clinical testing. Allele origin: germline.

Labcorp Genetics (formerly Invitae), Labcorp
Classification: Uncertain significance for Spondyloepimetaphyseal dysplasia, PAPSS2 type. Last evaluated: 2022-10-05. Review status: criteria provided, single submitter. Criteria: Invitae Variant Classification Sherloc (09022015). Collection method: clinical testing. Allele origin: germline.
Comment: This sequence change replaces alanine, which is neutral and non-polar, with threonine, which is neutral and polar, at codon 563 of the PAPSS2 protein (p.Ala563Thr). This variant is not present in population databases (gnomAD no frequency). This variant has not been reported in the literature in individuals affected with PAPSS2-related conditions. ClinVar contains an entry for this variant (Variation ID: 655993). Algorithms developed to predict the effect of missense changes on protein structure and function output the following: SIFT: "Tolerated"; PolyPhen-2: "Benign"; Align-GVGD: "Class C0". The threonine amino acid residue is found in multiple mammalian species, which suggests that this missense change does not adversely affect protein function. In summary, the available evidence is currently insufficient to determine the role of this variant in disease. Therefore, it has been classified as a Variant of Uncertain Significance.